The following is an entry in ClinVar:

ClinVar aggregate classification (germline): Pathogenic/Likely pathogenic. Review status: criteria provided, multiple submitters, no conflicts (2 of 4 stars). 14 submissions from 14 submitters: Pathogenic (11); Likely pathogenic (1). 2 of the submissions do not count toward it. Last evaluated 2025-10-28.

Conditions:
AGL-related disorder. Also called: AGL-related condition.
Glycogen storage disease type III (GSD3). Also called: FORBES DISEASE; Cori disease. Identifiers: Orphanet 366, MedGen C0017922, MONDO:0009291, OMIM 232400.

Allele frequency attached by ClinVar (database versions not stated): TOPMed below 0.00001; ExAC 0.00001; gnomAD 0.00001; gnomAD exomes 0.00001 and 0.00003.
gnomAD v4.1: 16 of 1,613,670 alleles (0.00099%); highest among the groups gnomAD compares: East Asian, 0.0067%; no homozygotes.

Submissions (14):

Labcorp Genetics (formerly Invitae), Labcorp
Classification: Pathogenic for Glycogen storage disease type III. Last evaluated: 2025-10-28. Review status: criteria provided, single submitter. Criteria: Invitae Variant Classification Sherloc (09022015). Collection method: clinical testing. Allele origin: germline.
Comment: This sequence change creates a premature translational stop signal (p.Arg34*) in the AGL gene. It is expected to result in an absent or disrupted protein product. Loss-of-function variants in AGL are known to be pathogenic (PMID: 19299494). This variant is present in population databases (rs781580050, gnomAD 0.01%). This premature translational stop signal has been observed in individuals with glycogen storage disease type III (PMID: 11924557, 11977176, 24495762). ClinVar contains an entry for this variant (Variation ID: 188743). Algorithms developed to predict the effect of sequence changes on RNA splicing suggest that this variant may create or strengthen a splice site. For these reasons, this variant has been classified as Pathogenic.

Natera, Inc.
Classification: Pathogenic for Glycogen storage disease type III. Last evaluated: 2025-05-12. Review status: criteria provided, single submitter. Criteria: Natera Variant Classification Schema (03/2026). Collection method: clinical testing. Allele origin: germline.
Comment: The c.100C>T variant in AGL is a nonsense variant predicted to introduce a stop codon at amino acid 34. This variant is expected to result in nonsense mediated decay, truncation, or a dysfunctional protein product. This variant is rare in the general population with a frequency below the threshold expected for the associated phenotype(s). This variant has been observed in one or more individuals affected with the associated recessive disease, as either homozygous or compound heterozygous with a second variant (PMID: 26984562). Given the available evidence, this variant is classified as Pathogenic.

Illumina Laboratory Services, Illumina
Classification: Pathogenic for Glycogen storage disease type III. Last evaluated: 2024-05-21. Review status: criteria provided, single submitter. Criteria: ICSLVariantClassificationCriteria RUGD 01 April 2020. Collection method: clinical testing. Allele origin: unknown.
Comment: The AGL c.100C>T p.(Arg34Ter) stop-gained variant results in the substitution of arginine at amino acid position 34 with a stop codon. Loss of normal protein function through either protein truncation or nonsense-mediated mRNA decay is expected. Across a selection of the available literature, this variant has been identified in at least five individuals with glycogen storage disease type III, including in a homozygous state in three individuals and in a compound heterozygous state in two individuals (PMID: 11924557; 11977176; 26984562; 33083013; 34820282). This variant also segregated with disease in one family (PMID: 34820282). The variant is present at a frequency of 0.000067 in the East Asian population of the Genome Aggregation Database (version 4.1.0). No AGL residual activity was noted in a patient homozygous for this variant (PMID: 11977176). Based on the available evidence, the c.100C>T p.(Arg34Ter) variant is classified as pathogenic for glycogen storage disease type III.

Baylor Genetics
Classification: Pathogenic for Glycogen storage disease type III. Last evaluated: 2024-03-25. Review status: criteria provided, single submitter. Criteria: ACMG Guidelines, 2015. Collection method: clinical testing. Allele origin: unknown.

3billion
Classification: Pathogenic for Glycogen storage disease type III. Last evaluated: 2023-12-26. Review status: criteria provided, single submitter. Criteria: ACMG Guidelines, 2015. Collection method: clinical testing. Allele origin: germline. Affected: yes.
Comment: The variant is observed at an extremely low frequency in the gnomAD v2.1.1 dataset (total allele frequency: 0.003%). Predicted Consequence/Location: Stop-gained (nonsense): predicted to result in a loss or disruption of normal protein function through nonsense-mediated decay (NMD) or protein truncation. Multiple pathogenic variants are reported downstream of the variant. The variant has been reported at least twice as pathogenic with clinical assertions and evidence for the classification (ClinVar ID: VCV000188743 /PMID: 11977176 /3billion dataset). Therefore, this variant is classified as Pathogenic according to the recommendation of ACMG/AMP guideline.

Neuberg Centre For Genomic Medicine, NCGM
Classification: Pathogenic for Glycogen storage disease type III. Last evaluated: 2023-05-20. Review status: criteria provided, single submitter. Criteria: ACMG Guidelines, 2015. Collection method: clinical testing. Allele origin: germline. Inheritance: Autosomal recessive inheritance. Affected: yes.
Comment: The stop-gained variant c.100C>T (p.Arg34Ter) in the AGL gene has been reported in the homozygous state in individuals affected with glycogen storage disease type III (Lu et al., 2016; Lucchiari et al., 2002). The variant has 0.002% allele frequency in gnomAD Exomes. It has been submitted to ClinVar as Likely Pathogenic/ Pathogenic (Multiple Submissions). This variant is predicted to cause a loss of normal protein function through protein truncation. Loss of function variants has been previously reported to be disease-causing. For these reasons, this variant has been classified as Pathogenic.

Blueprint Genetics
Classification: Likely pathogenic for AGL-related disorders. Last evaluated: 2021-10-27. Review status: criteria provided, single submitter. Criteria: ACMG Guidelines, 2015. Collection method: clinical testing. Allele origin: germline. Affected: yes. Observed: 2 variant alleles.

Genome-Nilou Lab
Classification: Pathogenic for Glycogen storage disease type III. Last evaluated: 2021-07-15. Review status: criteria provided, single submitter. Criteria: ACMG Guidelines, 2015. Collection method: clinical testing. Allele origin: germline. Affected: no.

Revvity Omics, Revvity
Classification: Pathogenic for Glycogen storage disease type III. Last evaluated: 2020-10-28. Review status: criteria provided, single submitter. Criteria: ACMG Guidelines, 2015. Collection method: clinical testing. Allele origin: germline.

Women's Health and Genetics/Laboratory Corporation of America, LabCorp
Classification: Pathogenic for Glycogen storage disease type III. Last evaluated: 2018-06-15. Review status: criteria provided, single submitter. Criteria: LabCorp Variant Classification Summary - May 2015. Collection method: clinical testing. Allele origin: germline.
Comment: Variant summary: AGL c.100C>T (p.Arg34X) results in a premature termination codon, predicted to cause a truncation of the encoded protein or absence of the protein due to nonsense mediated decay, which are commonly known mechanisms for disease. The variant allele was found at a frequency of 2.8e-05 in 246030 control chromosomes (gnomAD). The variant, c.100C>T, has been reported in the literature in multiple compound heterozygote and homozygote individuals affected with Glycogen Storage Disease Type III (Goldstein_2010, Horinishi_2002, Lu_2016, Lucchiari_2002, Wu_2013). These individuals also showed no AGL activity (Goldstein_2010, Lucchiari_2002). These data indicate that the variant is very likely to be associated with disease. No clinical diagnostic laboratories have submitted clinical-significance assessments for this variant to ClinVar after 2014. Based on the evidence outlined above, the variant was classified as pathogenic.

CENTOGENE GmbH and LLC - Guiding Precision Medicine
Classification: Pathogenic for Glycogen storage disease type III. Review status: criteria provided, single submitter. Criteria: ACMG Guidelines, 2015. Collection method: clinical testing. Allele origin: germline. Affected: yes.

Juno Genomics, Hangzhou Juno Genomics, Inc
Classification: Pathogenic for Glycogen storage disease type III. Review status: criteria provided, single submitter. Criteria: ACMG Guidelines, 2015. Collection method: clinical testing. Allele origin: germline.
Comment: Absent from controls (or at extremely low frequency if recessive) in Genome Aggregation Database.;Null variant in a gene where loss of function (LOF) is a known mechanism of disease.;For recessive disorders, detected in trans with a pathogenic variant.

PreventionGenetics, part of Exact Sciences
Classification: Pathogenic for AGL-related condition. Last evaluated: 2024-09-09. Review status: no assertion criteria provided. Collection method: clinical testing. Allele origin: germline. Not counted in ClinVar's aggregate classification.
Comment: The AGL c.100C>T variant is predicted to result in premature protein termination (p.Arg34*). This variant has been reported in the compound heterozygous and homozygous state in multiple individuals with glycogen storage disease type 3 (Lucchiari et al. 2002. PubMed ID: 11977176; Lu et al. 2016. PubMed ID: 26984562; Horinishi et al. 2002. PubMed ID: 11924557; Goldstein et al. 2010. PubMed ID: 20648714). This variant is reported in 0.011% of alleles in individuals of East Asian descent in gnomAD. Nonsense variants in AGL are expected to be pathogenic. This variant is interpreted as pathogenic.

Counsyl
Classification: Likely pathogenic for Glycogen storage disease type III. Last evaluated: 2014-04-04. Review status: no assertion criteria provided. Collection method: literature only. Allele origin: unknown. Inheritance: Autosomal recessive inheritance. Not counted in ClinVar's aggregate classification.

Literature cited by the submitters: PubMed 19299494 (cited by Labcorp Genetics (formerly Invitae), Labcorp); PubMed 11924557 (cited by 4 submitters); PubMed 11977176 (cited by 5 submitters); PubMed 24495762 (cited by 3 submitters); PubMed 26984562 (cited by 3 submitters); PubMed 33083013 (cited by Illumina Laboratory Services, Illumina); PubMed 34820282 (cited by Illumina Laboratory Services, Illumina); PubMed 20648714 (cited by Women's Health and Genetics/Laboratory Corporation of America, LabCorp).

NM_000642.3(AGL):c.100C>T (p.Arg34Ter)

Gene: AGL (amylo-alpha-1,6-glucosidase and 4-alpha-glucanotransferase; plus strand). Cytogenetic location: 1p21.2.
Variant type: single nucleotide variant.
Coding change: c.100C>T on transcript NM_000642.3 (MANE Select); coding-DNA position 100, C replaced by T.
Protein change: p.Arg34Ter; replaces arginine 34 with a stop codon.
Molecular consequence: nonsense.
Genome position (GRCh38, 1-based): chr1:99,861,520, C>T. VCF-style: chr1-99861520-C-T. GRCh37 (hg19) VCF-style: chr1-100327076-C-T.
Other names: c.100C>T, p.Arg34Ter (NM_000028.3, NM_000643.3, NM_000644.3 and 5 more transcripts); c.52C>T, p.Arg18Ter (NM_000646.3); short protein forms R34*, R18*.
Identifiers: ClinVar variation 188743 (VCV000188743.32), dbSNP rs781580050, ClinGen allele CA273900.